The following is an entry in ClinVar:

NM_006302.3(MOGS):c.1480G>A (p.Ala494Thr)

Gene: MOGS (mannosyl-oligosaccharide glucosidase; minus strand). Cytogenetic location: 2p13.1.
Variant type: single nucleotide variant.
Coding change: c.1480G>A on transcript NM_006302.3 (MANE Select); coding-DNA position 1480, G replaced by A.
Protein change: p.Ala494Thr; replaces alanine 494 with threonine.
Molecular consequence: missense variant.
Genome position (GRCh38, 1-based): chr2:74,462,309, C>T on the plus strand (G>A on the coding strand, the complement: MOGS is on the minus strand). VCF-style: chr2-74462309-C-T. GRCh37 (hg19) VCF-style: chr2-74689436-C-T.
Other names: c.1162G>A, p.Ala388Thr (NM_001146158.2); short protein forms A388T, A494T.
Identifiers: ClinVar variation 1944760 (VCV001944760.2), dbSNP rs1201450775, ClinGen allele CA347372235.
Genomic context (GRCh38, chr2:74,462,309, plus strand): 5'-TTGGGGGGTTGGCGTGGACTGCTCGTTGTACTAGGAATTCTGGAGGCACCCGGGCTCGGG[C>T]CTCATCCCCCAGTATCTGCTCCCTCCCAATCCAGCCATCAGCATTTAGCAGCCCCAGCCA-3'
Protein context (NP_006293.2, residues 484-504): IGREQILGDE[Ala494Thr]RARVPPEFLV

ClinVar aggregate classification (germline): Uncertain significance (1 of 4 stars; one submission).

Conditions:
MOGS-congenital disorder of glycosylation. Also called: CDG IIb; GLUCOSIDASE I DEFICIENCY; CDG 2B; MOGS-CDG. Identifiers: Orphanet 79330, MedGen C1853736, MONDO:0011629, OMIM 606056.

Submission:

Labcorp Genetics (formerly Invitae), Labcorp
Classification: Uncertain significance for MOGS-congenital disorder of glycosylation. Last evaluated: 2022-08-22. Review status: criteria provided, single submitter. Criteria: Invitae Variant Classification Sherloc (09022015). Collection method: clinical testing. Allele origin: germline.
Comment: This sequence change replaces alanine, which is neutral and non-polar, with threonine, which is neutral and polar, at codon 494 of the MOGS protein (p.Ala494Thr). This variant is present in population databases (no rsID available, gnomAD 0.003%). This variant has not been reported in the literature in individuals affected with MOGS-related conditions. Algorithms developed to predict the effect of missense changes on protein structure and function (SIFT, PolyPhen-2, Align-GVGD) all suggest that this variant is likely to be disruptive. In summary, the available evidence is currently insufficient to determine the role of this variant in disease. Therefore, it has been classified as a Variant of Uncertain Significance.